The following is an entry in ClinVar:

NM_138387.4(G6PC3):c.997C>G (p.His333Asp)

Gene: G6PC3 (glucose-6-phosphatase catalytic subunit 3; plus strand). Cytogenetic location: 17q21.31.
Variant type: single nucleotide variant.
Coding change: c.997C>G on transcript NM_138387.4 (MANE Select); coding-DNA position 997, C replaced by G.
Protein change: p.His333Asp; replaces histidine 333 with aspartic acid.
Molecular consequence: missense variant. On other transcripts: 3 prime UTR variant (1).
Genome position (GRCh38, 1-based): chr17:44,075,999, C>G. VCF-style: chr17-44075999-C-G. GRCh37 (hg19) VCF-style: chr17-42153367-C-G.
Other names: c.*290C>G (NM_001319945.2); c.652C>G, p.His218Asp (NM_001384165.1, NM_001384166.1, NM_001384167.1 and 1 more transcripts); short protein forms H218D, H333D.
Identifiers: ClinVar variation 4620506 (VCV004620506.1).

ClinVar aggregate classification (germline): Uncertain significance (1 of 4 stars; one submission).

Conditions:
Inborn genetic diseases. Identifiers: MedGen C0950123, MeSH D030342.

gnomAD v4.1: 2 of 1,613,022 alleles (0.00012%); highest among the groups gnomAD compares: African/African-American, 0.0027%; no homozygotes.

Submission:

Ambry Genetics
Classification: Uncertain significance for Inborn genetic diseases. Last evaluated: 2025-10-26. Review status: criteria provided, single submitter. Criteria: Ambry Variant Classification Scheme 2023. Collection method: clinical testing. Allele origin: germline.
Comment: The p.H333D variant (also known as c.997C>G), located in coding exon 6 of the G6PC3 gene, results from a C to G substitution at nucleotide position 997. The histidine at codon 333 is replaced by aspartic acid, an amino acid with similar properties. This amino acid position is conserved. In addition, this alteration is predicted to be tolerated by in silico analysis. Based on the available evidence, the clinical significance of this variant remains unclear.